The following is an entry in ClinVar:

NM_021926.4(ALX4):c.976G>A (p.Asp326Asn)

Gene: ALX4 (ALX homeobox 4; minus strand). Cytogenetic location: 11p11.2.
Variant type: single nucleotide variant.
Coding change: c.976G>A on transcript NM_021926.4 (MANE Select); coding-DNA position 976, G replaced by A.
Protein change: p.Asp326Asn; replaces aspartic acid 326 with asparagine.
Molecular consequence: missense variant.
Genome position (GRCh38, 1-based): chr11:44,265,114, C>T on the plus strand (G>A on the coding strand, the complement: ALX4 is on the minus strand). VCF-style: chr11-44265114-C-T. GRCh37 (hg19) VCF-style: chr11-44286664-C-T.
Other names: c.976G>A, p.Asp326Asn (LRG_1256t1); short protein forms D326N.
Identifiers: ClinVar variation 374798 (VCV000374798.4), dbSNP rs186244229, ClinGen allele CA5955560.

ClinVar aggregate classification (germline): Uncertain significance. Review status: criteria provided, multiple submitters, no conflicts (2 of 4 stars). 3 submissions from 3 submitters: Uncertain significance (3). Last evaluated 2025-12-30.

Conditions:
Frontonasal dysplasia with alopecia and genital anomaly. Identifiers: Orphanet 228390, MedGen C3150703, MONDO:0013268, OMIM 613451.

Allele frequency attached by ClinVar (database versions not stated): gnomAD 0.00022 and 0.00023; 1000 Genomes Project 0.00040; TOPMed 0.00054; 1000 Genomes Project 30x 0.00062; gnomAD exomes 0.00001 and 0.00002; ExAC 0.00003.
gnomAD v4.1: 61 of 1,612,022 alleles (0.0038%); highest among the groups gnomAD compares: Admixed American, 0.065%; no homozygotes.

Submissions (3):

Labcorp Genetics (formerly Invitae), Labcorp
Classification: Uncertain significance. Last evaluated: 2025-12-30. Review status: criteria provided, single submitter. Criteria: Invitae Variant Classification Sherloc (09022015). Collection method: clinical testing. Allele origin: germline.
Comment: This sequence change replaces aspartic acid, which is acidic and polar, with asparagine, which is neutral and polar, at codon 326 of the ALX4 protein (p.Asp326Asn). This variant is present in population databases (rs186244229, gnomAD 0.01%). This variant has not been reported in the literature in individuals affected with ALX4-related conditions. ClinVar contains an entry for this variant (Variation ID: 374798). An algorithm developed to predict the effect of missense changes on protein structure and function (PolyPhen-2) suggests that this variant is likely to be disruptive. In summary, the available evidence is currently insufficient to determine the role of this variant in disease. Therefore, it has been classified as a Variant of Uncertain Significance.

Center for Pediatric Genomic Medicine, Children's Mercy Hospital and Clinics
Classification: Uncertain significance. Last evaluated: 2017-07-17. Review status: criteria provided, single submitter. Criteria: ACMG Guidelines, 2015. Collection method: clinical testing. Allele origin: germline.

Genomic Diagnostic Laboratory, Division of Genomic Diagnostics, Children's Hospital of Philadelphia
Classification: Uncertain significance for Frontonasal dysplasia 2. Last evaluated: 2016-09-03. Review status: criteria provided, single submitter. Criteria: DGD Variant Analysis Guidelines. Collection method: clinical testing. Allele origin: germline. Affected: yes. Observed: 1 variant allele.
Comment: Clinical Testing